The following is an entry in ClinVar:

NM_001350451.2(RBFOX3):c.679C>G (p.Leu227Val)

Gene: RBFOX3 (RNA binding fox-1 homolog 3; minus strand). Cytogenetic location: 17q25.3.
Variant type: single nucleotide variant.
Coding change: c.679C>G on transcript NM_001350451.2 (MANE Select); coding-DNA position 679, C replaced by G.
Protein change: p.Leu227Val; replaces leucine 227 with valine.
Molecular consequence: missense variant.
Genome position (GRCh38, 1-based): chr17:79,097,368, G>C on the plus strand (C>G on the coding strand, the complement: RBFOX3 is on the minus strand). VCF-style: chr17-79097368-G-C. GRCh37 (hg19) VCF-style: chr17-77093450-G-C.
Other names: c.679C>G, p.Leu227Val (NM_001350453.2, NM_001385804.1, NM_001385805.1 and 33 more transcripts); c.676C>G, p.Leu226Val (NM_001385806.1, NM_001385822.1, NM_001385823.1 and 4 more transcripts); c.586C>G, p.Leu196Val (NM_001385824.1); c.700C>G, p.Leu234Val (NM_001385827.1); c.532C>G, p.Leu178Val (NM_001385847.1); short protein forms L196V, L178V, L227V, L234V, L226V.
Identifiers: ClinVar variation 2077173 (VCV002077173.4), dbSNP rs565220696, ClinGen allele CA401316502.
Genomic context (GRCh38, chr17:79,097,368, plus strand): 5'-TGGGGGGTGGGGGTGGCGCAGCCCGAAATGTATTATACACGGCCCGGCCCCGGCCCCGAA[G>C]ATGTGCGCCCCGGTAGGCAACGGCTGTGCCGGTGGTGGGGTAGGGGAACCCCGTCACTGC-3'
Protein context (NP_001337380.1, residues 217-237): GTAVAYRGAH[Leu227Val]RGRGRAVYNT

ClinVar aggregate classification (germline): Uncertain significance (1 of 4 stars; one submission).

Conditions:
Idiopathic generalized epilepsy. Also called: EIG; Generalised epilepsy. Identifiers: MedGen C0270850, MONDO:0005579, OMIM 600669.

Allele frequency attached by ClinVar (database versions not stated): TOPMed below 0.00001.
gnomAD v4.1: 1 of 1,548,736 alleles (0.000065%); highest among the groups gnomAD compares: African/African-American, 0.0014%; no homozygotes.

Submission:

Labcorp Genetics (formerly Invitae), Labcorp
Classification: Uncertain significance for Idiopathic generalized epilepsy. Last evaluated: 2024-05-02. Review status: criteria provided, single submitter. Criteria: Invitae Variant Classification Sherloc (09022015). Collection method: clinical testing. Allele origin: germline.
Comment: This sequence change replaces leucine, which is neutral and non-polar, with valine, which is neutral and non-polar, at codon 227 of the RBFOX3 protein (p.Leu227Val). This variant is not present in population databases (gnomAD no frequency). This variant has not been reported in the literature in individuals affected with RBFOX3-related conditions. ClinVar contains an entry for this variant (Variation ID: 2077173). Advanced modeling of protein sequence and biophysical properties (such as structural, functional, and spatial information, amino acid conservation, physicochemical variation, residue mobility, and thermodynamic stability) performed at Invitae indicates that this missense variant is not expected to disrupt RBFOX3 protein function with a negative predictive value of 80%. In summary, the available evidence is currently insufficient to determine the role of this variant in disease. Therefore, it has been classified as a Variant of Uncertain Significance.